The following is an entry in ClinVar:

ClinVar aggregate classification (germline): Likely benign. Review status: criteria provided, single submitter (1 of 4 stars). 2 submissions from 2 submitters: Likely benign (1). 1 of the submissions does not count toward it. Last evaluated 2026-01-21.

Conditions:
PC-related disorder. Also called: PC-related condition.
Pyruvate carboxylase deficiency. Also called: Pyruvate Carboxylase Deficiency Disease; LEIGH NECROTIZING ENCEPHALOPATHY DUE TO PYRUVATE CARBOXYLASE DEFICIENCY; LEIGH SYNDROME DUE TO PYRUVATE CARBOXYLASE DEFICIENCY; PC DEFICIENCY; ATAXIA WITH LACTIC ACIDOSIS II. Identifiers: Orphanet 3008, MedGen C0034341, MONDO:0009949, OMIM 266150.

Allele frequency attached by ClinVar (database versions not stated): gnomAD exomes 0.00002 and 0.00009; ExAC 0.00003; gnomAD 0.00005; TOPMed 0.00006; ESP Exome Variant Server 0.00015.
gnomAD v4.1: 131 of 1,613,918 alleles (0.0081%); highest among the groups gnomAD compares: Non-Finnish European, 0.011%; no homozygotes.

Submissions (2):

Labcorp Genetics (formerly Invitae), Labcorp
Classification: Likely benign for Pyruvate carboxylase deficiency. Last evaluated: 2026-01-21. Review status: criteria provided, single submitter. Criteria: Invitae Variant Classification Sherloc (09022015). Collection method: clinical testing. Allele origin: germline.

PreventionGenetics, part of Exact Sciences
Classification: Likely benign for PC-related condition. Last evaluated: 2019-06-08. Review status: no assertion criteria provided. Collection method: clinical testing. Allele origin: germline. Not counted in ClinVar's aggregate classification.
Comment: This variant is classified as likely benign based on ACMG/AMP sequence variant interpretation guidelines (Richards et al. 2015 PMID: 25741868, with internal and published modifications).

NM_001040716.2(PC):c.1701C>T (p.Asp567=)

Gene: PC (pyruvate carboxylase; minus strand). Cytogenetic location: 11q13.2.
Variant type: single nucleotide variant.
Coding change: c.1701C>T on transcript NM_001040716.2 (MANE Select); coding-DNA position 1701, C replaced by T.
Protein change: p.Asp567=; no amino-acid change (aspartic acid 567 retained).
Molecular consequence: synonymous variant.
Genome position (GRCh38, 1-based): chr11:66,852,563, G>A on the plus strand (C>T on the coding strand, the complement: PC is on the minus strand). VCF-style: chr11-66852563-G-A. GRCh37 (hg19) VCF-style: chr11-66620034-G-A.
Other names: c.1701C>T (NM_001040716.1); c.1701C>T, p.Asp567= (NM_000920.4, NM_022172.3).
Identifiers: ClinVar variation 723301 (VCV000723301.12), dbSNP rs376240725, ClinGen allele CA6131289.